The following is an entry in ClinVar:

NM_020759.3(STARD9):c.5116A>G (p.Lys1706Glu)

Gene: STARD9 (StAR related lipid transfer domain containing 9; plus strand). Cytogenetic location: 15q15.2.
Variant type: single nucleotide variant.
Coding change: c.5116A>G on transcript NM_020759.3 (MANE Select); coding-DNA position 5116, A replaced by G.
Protein change: p.Lys1706Glu; replaces lysine 1706 with glutamic acid.
Molecular consequence: missense variant.
Genome position (GRCh38, 1-based): chr15:42,686,694, A>G. VCF-style: chr15-42686694-A-G. GRCh37 (hg19) VCF-style: chr15-42978892-A-G.
Other names: short protein forms K1706E.
Identifiers: ClinVar variation 2344335 (VCV002344335.4), dbSNP rs200568949, ClinGen allele CA7514370.

ClinVar aggregate classification (germline): Uncertain significance. Review status: criteria provided, single submitter (1 of 4 stars). 2 submissions from 2 submitters: Uncertain significance (1). 1 of the submissions does not count toward it. Last evaluated 2022-05-25.

Conditions:
STARD9-related disorder. Also called: STARD9-related condition.

Allele frequency attached by ClinVar (database versions not stated): gnomAD exomes 0.00060; TOPMed 0.00065; gnomAD 0.00077; ExAC 0.00089; ESP Exome Variant Server 0.00131.

Submissions (2):

Ambry Genetics
Classification: Uncertain significance. Last evaluated: 2022-05-25. Review status: criteria provided, single submitter. Criteria: Ambry Variant Classification Scheme 2023. Collection method: clinical testing. Allele origin: germline.

PreventionGenetics, part of Exact Sciences
Classification: Likely benign for STARD9-related condition. Last evaluated: 2022-09-19. Review status: no assertion criteria provided. Collection method: clinical testing. Allele origin: germline. Not counted in ClinVar's aggregate classification.
Comment: This variant is classified as likely benign based on ACMG/AMP sequence variant interpretation guidelines (Richards et al. 2015 PMID: 25741868, with internal and published modifications).